The following is an entry in ClinVar:

NM_004517.4(ILK):c.570C>A (p.Phe190Leu)

Genes: TAF10 (TATA-box binding protein associated factor 10; minus strand), ILK (integrin linked kinase; plus strand). Cytogenetic location: 11p15.4.
Variant type: single nucleotide variant.
Coding change: c.570C>A on transcript NM_004517.4 (MANE Select); coding-DNA position 570, C replaced by A.
Protein change: p.Phe190Leu; replaces phenylalanine 190 with leucine.
Molecular consequence: missense variant. On other transcripts: 3 prime UTR variant (1), intron variant (1).
Genome position (GRCh38, 1-based): chr11:6,609,108, C>A. VCF-style: chr11-6609108-C-A. GRCh37 (hg19) VCF-style: chr11-6630339-C-A.
Other names: c.570C>A, p.Phe190Leu (NM_001014794.3, NM_001014795.3); c.168C>A, p.Phe56Leu (NM_001278442.2); c.*1814G>T (NM_006284.4); c.435+141C>A (NM_001278441.2); short protein forms F190L, F56L.
Identifiers: ClinVar variation 4765786 (VCV004765786.1).

ClinVar aggregate classification (germline): Uncertain significance (1 of 4 stars; one submission).

Conditions:
Primary familial hypertrophic cardiomyopathy (HCM). Identifiers: Orphanet 99739, MedGen C0949658, MeSH D024741, MONDO:0024573. Inheritance: Various modes of inheritance.

gnomAD v4.1: 1 of 1,614,202 alleles (0.000062%); highest among the groups gnomAD compares: Non-Finnish European, 0.000085%; no homozygotes.

Submission:

Labcorp Genetics (formerly Invitae), Labcorp
Classification: Uncertain significance for Primary familial hypertrophic cardiomyopathy. Last evaluated: 2025-06-13. Review status: criteria provided, single submitter. Criteria: Invitae Variant Classification Sherloc (09022015). Collection method: clinical testing. Allele origin: germline.
Comment: This sequence change replaces phenylalanine, which is neutral and non-polar, with leucine, which is neutral and non-polar, at codon 190 of the ILK protein (p.Phe190Leu). This variant is not present in population databases (gnomAD no frequency). This variant has not been reported in the literature in individuals affected with ILK-related conditions. An algorithm developed to predict the effect of missense changes on protein structure and function (PolyPhen-2) suggests that this variant is likely to be tolerated. Algorithms developed to predict the effect of sequence changes on RNA splicing suggest that this variant may disrupt the consensus splice site. In summary, the available evidence is currently insufficient to determine the role of this variant in disease. Therefore, it has been classified as a Variant of Uncertain Significance.